The following is an entry in ClinVar:

ClinVar aggregate classification (germline): Pathogenic (1 of 4 stars; one submission).

Submission:

Labcorp Genetics (formerly Invitae), Labcorp
Classification: Pathogenic. Last evaluated: 2021-07-30. Review status: criteria provided, single submitter. Criteria: Invitae Variant Classification Sherloc (09022015). Collection method: clinical testing. Allele origin: germline.
Comment: For these reasons, this variant has been classified as Pathogenic. This variant has not been reported in the literature in individuals affected with SKIV2L-related conditions. This variant is not present in population databases (ExAC no frequency). This sequence change creates a premature translational stop signal (p.Phe665Leufs*5) in the SKIV2L gene. It is expected to result in an absent or disrupted protein product. Loss-of-function variants in SKIV2L are known to be pathogenic (PMID: 22444670).

Literature cited by the submitters: PubMed 22444670.

NM_006929.5(SKIC2):c.1992del (p.Phe665fs)

Gene: SKIC2 (SKI2 subunit of superkiller complex; plus strand). Cytogenetic location: 6p21.33.
Variant type: Deletion.
Coding change: c.1992del on transcript NM_006929.5 (MANE Select); coding-DNA position 1992, one base deleted (C; older notation c.1992delC).
Protein change: p.Phe665fs; shifts the reading frame from phenylalanine 665.
Molecular consequence: frameshift variant.
Genome position (GRCh38, 1-based): chr6:31,965,803, C deleted; the last of 2 consecutive C bases (chr6:31,965,802-31,965,803); deleting either gives the same sequence. VCF-style (leftmost placement, unchanged base first): chr6-31965801-AC-A. GRCh37 (hg19) VCF-style: chr6-31933578-AC-A.
Other names: short protein forms F665fs.
Identifiers: ClinVar variation 1325073 (VCV001325073.7), dbSNP rs2151812589, ClinGen allele CA2573052663.